The following is an entry in ClinVar:

ClinVar aggregate classification (germline): Uncertain significance (1 of 4 stars; one submission).

Conditions:
Developmental and epileptic encephalopathy, 36 (DEE36). Also called: ALG13-CDG; Congenital disorder of glycosylation, type Is; Epileptic encephalopathy, early infantile, 36. Identifiers: Orphanet 324422, MedGen C4317295, MONDO:0010472, OMIM 300884.

Allele frequency attached by ClinVar (database versions not stated): gnomAD 0.00001.
gnomAD v4.1: 3 of 1,209,927 alleles (0.00025%); highest among the groups gnomAD compares: Non-Finnish European, 0.00034%; no homozygotes.

Submission:

Labcorp Genetics (formerly Invitae), Labcorp
Classification: Uncertain significance for Developmental and epileptic encephalopathy, 36. Last evaluated: 2022-07-26. Review status: criteria provided, single submitter. Criteria: Invitae Variant Classification Sherloc (09022015). Collection method: clinical testing. Allele origin: germline.
Comment: Algorithms developed to predict the effect of missense changes on protein structure and function output the following: SIFT: "Tolerated"; PolyPhen-2: "Benign"; Align-GVGD: "Class C0". The serine amino acid residue is found in multiple mammalian species, which suggests that this missense change does not adversely affect protein function. In summary, the available evidence is currently insufficient to determine the role of this variant in disease. Therefore, it has been classified as a Variant of Uncertain Significance. ClinVar contains an entry for this variant (Variation ID: 1522305). This variant has not been reported in the literature in individuals affected with ALG13-related conditions. This variant is present in population databases (no rsID available, gnomAD 0.02%). This sequence change replaces asparagine, which is neutral and polar, with serine, which is neutral and polar, at codon 784 of the ALG13 protein (p.Asn784Ser).

NM_001099922.3(ALG13):c.2351A>G (p.Asn784Ser)

Gene: ALG13 (ALG13 UDP-N-acetylglucosaminyltransferase subunit; plus strand). Cytogenetic location: Xq23.
Variant type: single nucleotide variant.
Coding change: c.2351A>G on transcript NM_001099922.3 (MANE Select); coding-DNA position 2351, A replaced by G.
Protein change: p.Asn784Ser; replaces asparagine 784 with serine.
Molecular consequence: missense variant. On other transcripts: non-coding transcript variant (1).
Genome position (GRCh38, 1-based): chrX:111,728,288, A>G. VCF-style: chrX-111728288-A-G. GRCh37 (hg19) VCF-style: chrX-110971516-A-G.
Other names: c.2039A>G, p.Asn680Ser (NM_001257230.2, NM_001257234.2, NM_001257237.2); c.2117A>G, p.Asn706Ser (NM_001257231.2); c.2351A>G, p.Asn784Ser (NM_001324292.2); c.1865A>G, p.Asn622Ser (NM_001324293.1); short protein forms N622S, N680S, N706S, N784S.
Identifiers: ClinVar variation 1522305 (VCV001522305.8), dbSNP rs1478132547, ClinGen allele CA414253842.
Genomic context (GRCh38, chrX:111,728,288, plus strand): 5'-ACTGTGTTGGAAGGCGGGGACATAGCTCAGGCAAACAGACTTTGAATTTAGAGGAGGGCA[A>G]TGGCCAGAGTGAAAATGGTGAGTCAATTACAGTTAAATATTTTTTAAAAGATTCTTGTGG-3'
Protein context (NP_001093392.1, residues 774-794): GKQTLNLEEG[Asn784Ser]GQSENGRYHE